The following is an entry in ClinVar:

NM_001270.4(CHD1):c.4577-7C>A

Gene: CHD1 (chromodomain helicase DNA binding protein 1; minus strand). Cytogenetic location: 5q15.
Variant type: single nucleotide variant.
Coding change: c.4577-7C>A on transcript NM_001270.4 (MANE Select); 7 bases into the intron before coding-DNA position 4577, C replaced by A.
Molecular consequence: intron variant.
Genome position (GRCh38, 1-based): chr5:98,858,397, G>T on the plus strand (C>A on the coding strand, the complement: CHD1 is on the minus strand). VCF-style: chr5-98858397-G-T. GRCh37 (hg19) VCF-style: chr5-98194101-G-T.
Other names: c.4577-7C>A (NM_001376194.2); c.4841-7C>A (NM_001364113.3).
Identifiers: ClinVar variation 2629580 (VCV002629580.1), dbSNP rs1748204859, ClinGen allele CA1079211194.

ClinVar aggregate classification (germline): Uncertain significance (1 of 4 stars; one submission).

Conditions:
CHD1-related disorder. Also called: CHD1-related condition.

Allele frequency attached by ClinVar (database versions not stated): TOPMed below 0.00001; gnomAD 0.00001.
gnomAD v4.1: 1 of 1,603,286 alleles (0.000062%); highest among the groups gnomAD compares: Admixed American, 0.0017%; no homozygotes.

Submission:

PreventionGenetics, part of Exact Sciences
Classification: Uncertain significance for CHD1-related condition. Last evaluated: 2023-01-24. Review status: criteria provided, single submitter. Criteria: ACMG Guidelines, 2015. Collection method: clinical testing. Allele origin: germline.
Comment: The CHD1 c.4577-7C>A variant is predicted to interfere with splicing. To our knowledge, this variant has not been reported in the literature or in a large population database, indicating this variant is rare. At this time, the clinical significance of this variant is uncertain due to the absence of conclusive functional and genetic evidence.